The following is an entry in ClinVar:

ClinVar aggregate classification (germline): Uncertain significance (1 of 4 stars; one submission).

Conditions:
Xeroderma pigmentosum, group F (XPF). Also called: XERODERMA PIGMENTOSUM, COMPLEMENTATION GROUP F; XERODERMA PIGMENTOSUM, TYPE F; Xeroderma pigmentosum, type 6; XERODERMA PIGMENTOSUM VI; XP, GROUP F; ERCC4-Related Xeroderma Pigmentosum. Identifiers: MedGen C0268140, MONDO:0010215, OMIM 278760.
Cockayne syndrome. Identifiers: Orphanet 191, MedGen C0009207, MONDO:0016006.
Fanconi anemia complementation group Q. Identifiers: Orphanet 84, MedGen C3808988, MONDO:0014108, OMIM 615272.

gnomAD v4.1: 14 of 1,614,154 alleles (0.00087%); highest among the groups gnomAD compares: Admixed American, 0.0033%; no homozygotes.

Submission:

Labcorp Genetics (formerly Invitae), Labcorp
Classification: Uncertain significance for Fanconi anemia complementation group Q; Xeroderma pigmentosum, group F; Cockayne syndrome. Last evaluated: 2024-12-28. Review status: criteria provided, single submitter. Criteria: Invitae Variant Classification Sherloc (09022015). Collection method: clinical testing. Allele origin: germline.
Comment: This sequence change replaces glycine, which is neutral and non-polar, with serine, which is neutral and polar, at codon 739 of the ERCC4 protein (p.Gly739Ser). This variant is present in population databases (rs765235917, gnomAD 0.003%). This variant has not been reported in the literature in individuals affected with ERCC4-related conditions. Invitae Evidence Modeling of protein sequence and biophysical properties (such as structural, functional, and spatial information, amino acid conservation, physicochemical variation, residue mobility, and thermodynamic stability) indicates that this missense variant is expected to disrupt ERCC4 protein function with a positive predictive value of 80%. In summary, the available evidence is currently insufficient to determine the role of this variant in disease. Therefore, it has been classified as a Variant of Uncertain Significance.

NM_005236.3(ERCC4):c.2215G>A (p.Gly739Ser)

Gene: ERCC4 (ERCC excision repair 4, endonuclease catalytic subunit; plus strand). Cytogenetic location: 16p13.12.
Variant type: single nucleotide variant.
Coding change: c.2215G>A on transcript NM_005236.3 (MANE Select); coding-DNA position 2215, G replaced by A.
Protein change: p.Gly739Ser; replaces glycine 739 with serine.
Molecular consequence: missense variant.
Genome position (GRCh38, 1-based): chr16:13,947,811, G>A. VCF-style: chr16-13947811-G-A. GRCh37 (hg19) VCF-style: chr16-14041668-G-A.
Other names: short protein forms G739S.
Identifiers: ClinVar variation 3758671 (VCV003758671.2).